The following is an entry in ClinVar:

ClinVar aggregate classification (germline): Uncertain significance (1 of 4 stars; one submission).

gnomAD v4.1: 1 of 1,614,008 alleles (0.000062%); no homozygotes.

Submission:

Labcorp Genetics (formerly Invitae), Labcorp
Classification: Uncertain significance. Last evaluated: 2022-11-28. Review status: criteria provided, single submitter. Criteria: Invitae Variant Classification Sherloc (09022015). Collection method: clinical testing. Allele origin: germline.
Comment: This sequence change replaces leucine, which is neutral and non-polar, with phenylalanine, which is neutral and non-polar, at codon 356 of the C5 protein (p.Leu356Phe). This variant is not present in population databases (gnomAD no frequency). In summary, the available evidence is currently insufficient to determine the role of this variant in disease. Therefore, it has been classified as a Variant of Uncertain Significance. Algorithms developed to predict the effect of missense changes on protein structure and function are either unavailable or do not agree on the potential impact of this missense change (SIFT: "Tolerated"; PolyPhen-2: "Possibly Damaging"; Align-GVGD: "Class C0"). This variant has not been reported in the literature in individuals affected with C5-related conditions.

NM_001735.3(C5):c.1068G>T (p.Leu356Phe)

Gene: C5 (complement C5; minus strand). Cytogenetic location: 9q33.2.
Variant type: single nucleotide variant.
Coding change: c.1068G>T on transcript NM_001735.3 (MANE Select); coding-DNA position 1068, G replaced by T.
Protein change: p.Leu356Phe; replaces leucine 356 with phenylalanine.
Molecular consequence: missense variant.
Genome position (GRCh38, 1-based): chr9:121,023,452, C>A on the plus strand (G>T on the coding strand, the complement: C5 is on the minus strand). VCF-style: chr9-121023452-C-A. GRCh37 (hg19) VCF-style: chr9-123785730-C-A.
Other names: c.1086G>T, p.Leu362Phe (NM_001317163.2); c.1068G>T, p.Leu356Phe (NM_001317164.2); short protein forms L356F, L362F.
Identifiers: ClinVar variation 1936096 (VCV001936096.5), dbSNP rs2540436869, ClinGen allele CA374754035.